The following is an entry in ClinVar:

NM_001127222.2(CACNA1A):c.2726G>A (p.Ser909Asn)

Gene: CACNA1A (calcium voltage-gated channel subunit alpha1 A; minus strand). Cytogenetic location: 19p13.13.
Variant type: single nucleotide variant.
Coding change: c.2726G>A on transcript NM_001127222.2 (MANE Select); coding-DNA position 2726, G replaced by A.
Protein change: p.Ser909Asn; replaces serine 909 with asparagine.
Molecular consequence: missense variant.
Genome position (GRCh38, 1-based): chr19:13,298,907, C>T on the plus strand (G>A on the coding strand, the complement: CACNA1A is on the minus strand). VCF-style: chr19-13298907-C-T. GRCh37 (hg19) VCF-style: chr19-13409721-C-T.
Other names: c.2729G>A (NM_001127221.1); c.2738G>A, p.Ser913Asn (NM_000068.4, NM_023035.3); c.2729G>A, p.Ser910Asn (NM_001127221.2, NM_001174080.2); short protein forms S909N, S910N, S913N.
Identifiers: ClinVar variation 994809 (VCV000994809.4), dbSNP rs1248444650, ClinGen allele CA404342842.
Genomic context (GRCh38, chr19:13,298,907, plus strand): 5'-TGGGGGTCCCCGGCCTTGCCTCGCTCGGCCTCGCCCTCCCAGAACCCGGGTTGCTCCAGG[C>T]TGCCCTCCCGGGCGTGGTGGTCCGACTCGCGGCCGTAGGGTCCCTCCCGGCTCAGCTCGG-3'
Protein context (NP_001120694.1, residues 899-919): RESDHHAREG[Ser909Asn]LEQPGFWEGE

ClinVar aggregate classification (germline): Uncertain significance. Review status: criteria provided, multiple submitters, no conflicts (2 of 4 stars). 4 submissions from 4 submitters: Uncertain significance (4). Last evaluated 2025-08-20.

Conditions:
Inborn genetic diseases. Identifiers: MedGen C0950123, MeSH D030342.

Allele frequency attached by ClinVar (database versions not stated): TOPMed below 0.00001.
gnomAD v4.1: 2 of 1,594,986 alleles (0.00013%); highest among the groups gnomAD compares: Admixed American, 0.0017%; no homozygotes.

Submissions (4):

Ambry Genetics
Classification: Uncertain significance for Inborn genetic diseases. Last evaluated: 2025-08-20. Review status: criteria provided, single submitter. Criteria: Ambry Variant Classification Scheme 2023. Collection method: clinical testing. Allele origin: germline.

GeneDx
Classification: Uncertain significance. Last evaluated: 2023-06-05. Review status: criteria provided, single submitter. Criteria: GeneDx Variant Classification Process June 2021. Collection method: clinical testing. Allele origin: germline. Affected: yes.
Comment: Not observed at significant frequency in large population cohorts (gnomAD); In silico analysis supports that this missense variant does not alter protein structure/function; Has not been previously published as pathogenic or benign to our knowledge

Athena Diagnostics
Classification: Uncertain significance. Last evaluated: 2020-07-24. Review status: criteria provided, single submitter. Criteria: Athena Diagnostics Criteria. Collection method: clinical testing. Allele origin: unknown.

Blueprint Genetics
Classification: Uncertain significance. Last evaluated: 2018-03-07. Review status: criteria provided, single submitter. Criteria: ACMG Guidelines, 2015. Collection method: clinical testing. Allele origin: germline.